The following is an entry in ClinVar:

NM_003718.5(CDK13):c.2308del (p.Glu769_Ile770insTer)

Gene: CDK13 (cyclin dependent kinase 13; plus strand). Cytogenetic location: 7p14.1.
Variant type: Deletion.
Coding change: c.2308del on transcript NM_003718.5 (MANE Select); coding-DNA position 2308, one base deleted (A; older notation c.2308delA).
Protein change: p.Glu769_Ile770insTer.
Molecular consequence: nonsense. On other transcripts: frameshift variant (1).
Genome position (GRCh38, 1-based): chr7:40,001,986, A deleted; the last of 3 consecutive A bases (chr7:40,001,984-40,001,986); deleting any one gives the same sequence. VCF-style (leftmost placement, unchanged base first): chr7-40001983-GA-G. GRCh37 (hg19) VCF-style: chr7-40041582-GA-G.
Other names: c.2308delA, p.Ile770Terfs (NM_031267.4).
Identifiers: ClinVar variation 2580205 (VCV002580205.1), dbSNP rs2483783410, ClinGen allele CA2580617882.

ClinVar aggregate classification (germline): Uncertain significance (1 of 4 stars; one submission).

Conditions:
Congenital heart defects, dysmorphic facial features, and intellectual developmental disorder (CHDFIDD). Identifiers: Orphanet 646278, MedGen C4479246, MONDO:0044302, OMIM 617360.

Submission:

Illumina Laboratory Services, Illumina
Classification: Uncertain significance for Congenital heart defects, dysmorphic facial features, and intellectual developmental disorder. Last evaluated: 2023-04-13. Review status: criteria provided, single submitter. Criteria: ICSLVariantClassificationCriteria RUGD 01 April 2020. Collection method: clinical testing. Allele origin: unknown.
Comment: The CDK13 c.2308del (p.Ile770Ter) variant causes a shift in the protein reading frame that is predicted to result in premature termination of the protein. Loss of normal protein function through either protein truncation or nonsense-mediated mRNA decay is expected. To our knowledge, this variant has not been reported in the peer-reviewed literature. This variant is not observed in version 2.1.1 or version 3.1.2 of the Genome Aggregation Database. Based on the available evidence, the p.Ile770Ter variant is classified as a variant of uncertain significance for congenital heart defects, dysmorphic facial features, and intellectual developmental disorder.